The following is an entry in ClinVar:

ClinVar aggregate classification (germline): Uncertain significance (1 of 4 stars; one submission).

Submission:

Women's Health and Genetics/Laboratory Corporation of America, LabCorp
Classification: Uncertain significance. Last evaluated: 2023-05-15. Review status: criteria provided, single submitter. Criteria: LabCorp Variant Classification Summary - May 2015. Collection method: clinical testing. Allele origin: germline.
Comment: Variant summary: ALMS1 c.9911A>T (p.Asn3304Ile) results in a non-conservative amino acid change in the encoded protein sequence. Two of three in-silico tools predict a damaging effect of the variant on protein function. The variant was absent in 249250 control chromosomes. The available data on variant occurrences in the general population are insufficient to allow any conclusion about variant significance. To our knowledge, no occurrence of c.9911A>T in individuals affected with Alstrom Syndrome With Dilated Cardiomyopathy and no experimental evidence demonstrating its impact on protein function have been reported. No clinical diagnostic laboratories have submitted clinical-significance assessments for this variant to ClinVar after 2014. Based on the evidence outlined above, the variant was classified as uncertain significance.

NM_001378454.1(ALMS1):c.9914A>T (p.Asn3305Ile)

Gene: ALMS1 (ALMS1 centrosome and basal body associated protein; plus strand). Cytogenetic location: 2p13.1.
Variant type: single nucleotide variant.
Coding change: c.9914A>T on transcript NM_001378454.1 (MANE Select); coding-DNA position 9914, A replaced by T.
Protein change: p.Asn3305Ile; replaces asparagine 3305 with isoleucine.
Molecular consequence: missense variant.
Genome position (GRCh38, 1-based): chr2:73,550,273, A>T. VCF-style: chr2-73550273-A-T. GRCh37 (hg19) VCF-style: chr2-73777400-A-T.
Other names: c.9917A>T, p.Asn3306Ile (NM_015120.4); short protein forms N3305I, N3306I.
Identifiers: ClinVar variation 2506348 (VCV002506348.1), dbSNP rs142022233, ClinGen allele CA347271048.